The following is an entry in ClinVar:

ClinVar aggregate classification (germline): Conflicting classifications of pathogenicity. Review status: criteria provided, conflicting classifications (1 of 4 stars). 2 submissions from 2 submitters: Uncertain significance (1); Likely benign (1). Last evaluated 2024-04-05.

Conditions:
Hereditary cancer-predisposing syndrome. Also called: Neoplastic Syndromes, Hereditary; Hereditary Cancer Syndrome; Hereditary neoplastic syndrome; Tumor predisposition. Identifiers: Orphanet 140162, MedGen C0027672, MeSH D009386, MONDO:0015356.
Familial cancer of breast. Also called: BREAST CANCER, FAMILIAL; Hereditary breast cancer; hereditary breast carcinoma. Identifiers: Orphanet 227535, MedGen C0346153, MONDO:0016419, OMIM 114480. Disease mechanism: loss of function.

Submissions (2):

Ambry Genetics
Classification: Likely benign for Hereditary cancer-predisposing syndrome. Last evaluated: 2024-04-05. Review status: criteria provided, single submitter. Criteria: Ambry Variant Classification Scheme 2023. Collection method: clinical testing. Allele origin: germline.

Labcorp Genetics (formerly Invitae), Labcorp
Classification: Uncertain significance for Familial cancer of breast. Last evaluated: 2021-12-17. Review status: criteria provided, single submitter. Criteria: Invitae Variant Classification Sherloc (09022015). Collection method: clinical testing. Allele origin: germline.
Comment: In summary, the available evidence is currently insufficient to determine the role of this variant in disease. Therefore, it has been classified as a Variant of Uncertain Significance. Algorithms developed to predict the effect of missense changes on protein structure and function output the following: SIFT: "Tolerated"; PolyPhen-2: "Benign"; Align-GVGD: "Class C0". The aspartic acid amino acid residue is found in multiple mammalian species, which suggests that this missense change does not adversely affect protein function. This variant has not been reported in the literature in individuals affected with PALB2-related conditions. This variant is not present in population databases (gnomAD no frequency). This sequence change replaces asparagine, which is neutral and polar, with aspartic acid, which is acidic and polar, at codon 716 of the PALB2 protein (p.Asn716Asp).

NM_024675.4(PALB2):c.2146A>G (p.Asn716Asp)

Gene: PALB2 (partner and localizer of BRCA2; minus strand). Cytogenetic location: 16p12.2.
Variant type: single nucleotide variant.
Coding change: c.2146A>G on transcript NM_024675.4 (MANE Select); coding-DNA position 2146, A replaced by G.
Protein change: p.Asn716Asp; replaces asparagine 716 with aspartic acid.
Molecular consequence: missense variant.
Genome position (GRCh38, 1-based): chr16:23,630,008, T>C on the plus strand (A>G on the coding strand, the complement: PALB2 is on the minus strand). VCF-style: chr16-23630008-T-C. GRCh37 (hg19) VCF-style: chr16-23641329-T-C.
Other names: c.2146A>G (NM_024675.3); short protein forms N716D.
Identifiers: ClinVar variation 1422282 (VCV001422282.8), dbSNP rs2142379886, ClinGen allele CA395125704.